The following is an entry in ClinVar:

NM_178857.6(RP1L1):c.814C>G (p.Pro272Ala)

Gene: RP1L1 (RP1 like 1). Cytogenetic location: 8p23.1.
Variant type: single nucleotide variant.
Coding change: c.814C>G on transcript NM_178857.6 (MANE Select); coding-DNA position 814, C replaced by G.
Protein change: p.Pro272Ala; replaces proline 272 with alanine.
Molecular consequence: missense variant.
Genome position (GRCh38, 1-based): chr8:10,613,284, G>C on the plus strand (C>G on the coding strand, the complement: RP1L1 is on the minus strand). VCF-style: chr8-10613284-G-C. GRCh37 (hg19) VCF-style: chr8-10470794-G-C.
Other names: short protein forms P272A.
Identifiers: ClinVar variation 361393 (VCV000361393.7), dbSNP rs77833234, ClinGen allele CA4625439.

ClinVar aggregate classification (germline): Benign/Likely benign. Review status: criteria provided, multiple submitters, no conflicts (2 of 4 stars). 3 submissions from 3 submitters: Benign (2); Likely benign (1). Last evaluated 2024-10-02.

Conditions:
Occult macular dystrophy (OCMD). Also called: OMD; OCCULT MACULAR DYSTROPHY, SUSCEPTIBILITY TO. Identifiers: Orphanet 247834, MedGen C3150833, MONDO:0013316, OMIM 613587, HP:0030636.

Allele frequency attached by ClinVar (database versions not stated): gnomAD exomes 0.00033 and 0.00092; ExAC 0.00101; gnomAD 0.00299 and 0.00314; ESP Exome Variant Server 0.00324; 1000 Genomes Project 30x 0.00359; TOPMed 0.00363; 1000 Genomes Project 0.00379.
gnomAD v4.1: 948 of 1,606,904 alleles (0.059%); highest among the groups gnomAD compares: African/African-American, 1.1%; 8 homozygotes.

Submissions (3):

Blueprint Genetics
Classification: Likely benign. Last evaluated: 2024-10-02. Review status: criteria provided, single submitter. Criteria: ACMG Guidelines, 2015. Collection method: clinical testing. Allele origin: germline.

Illumina Laboratory Services, Illumina
Classification: Benign for Occult macular dystrophy. Last evaluated: 2018-01-12. Review status: criteria provided, single submitter. Criteria: ICSL Variant Classification Criteria 13 December 2019. Collection method: clinical testing. Allele origin: germline.
Comment: This variant was observed in the ICSL laboratory as part of a predisposition screen in an ostensibly healthy population. It had not been previously curated by ICSL or reported in the Human Gene Mutation Database (HGMD: prior to June 1st, 2018), and was therefore a candidate for classification through an automated scoring system. Utilizing variant allele frequency, disease prevalence and penetrance estimates, and inheritance mode, an automated score was calculated to assess if this variant is too frequent to cause the disease. Based on the score and internal cut-off values, a variant classified as benign is not then subjected to further curation. The score for this variant resulted in a classification of benign for this disease.

Breakthrough Genomics
Classification: Benign. Review status: criteria provided, single submitter. Criteria: ACMG Guidelines, 2015. Collection method: not provided. Allele origin: germline. Inheritance: Autosomal recessive inheritance. Affected: yes.